The following is an entry in ClinVar:

NM_000179.3(MSH6):c.4048del (p.Val1350fs)

Gene: MSH6 (mutS homolog 6; plus strand). Cytogenetic location: 2p16.3.
Variant type: Deletion.
Coding change: c.4048del on transcript NM_000179.3 (MANE Select); coding-DNA position 4048, one base deleted (G; older notation c.4048delG).
Protein change: p.Val1350fs; shifts the reading frame from valine 1350.
Molecular consequence: frameshift variant.
Genome position (GRCh38, 1-based): chr2:47,806,825, G deleted. VCF-style (leftmost placement, unchanged base first): chr2-47806824-TG-T. GRCh37 (hg19) VCF-style: chr2-48033963-TG-T.
Other names: c.3751delG, p.Val1251Serfs (NM_001406797.1, NM_001406805.1, NM_001406818.1 and 8 more transcripts); c.3874delG, p.Val1292Serfs (NM_001406798.1); c.3523delG, p.Val1175Serfs (NM_001406799.1, NM_001406807.1, NM_001406806.1); c.*69delG (NM_001406800.1); c.*29delG (NM_001406801.1, NM_001406802.1, NM_001406808.1 and 1 more transcripts); c.3184delG, p.Val1062Serfs (NM_001406803.1); c.4048delG, p.Val1350Serfs (NM_001406809.1, NM_001406796.1); c.3142delG, p.Val1048Serfs (NM_001406811.1, NM_001406812.1, NM_001406814.1 and 4 more transcripts); and 10 more; short protein forms V1220fs, V1350fs, V1048fs.
Identifiers: ClinVar variation 1737333 (VCV001737333.2), dbSNP rs2530895985, ClinGen allele CA2580067596.

ClinVar aggregate classification (germline): Uncertain significance (1 of 4 stars; one submission).

Conditions:
Hereditary cancer-predisposing syndrome. Also called: Neoplastic Syndromes, Hereditary; Tumor predisposition; Hereditary Cancer Syndrome; Hereditary neoplastic syndrome. Identifiers: Orphanet 140162, MedGen C0027672, MeSH D009386, MONDO:0015356.

Submission:

Ambry Genetics
Classification: Uncertain significance for Hereditary cancer-predisposing syndrome. Last evaluated: 2021-06-01. Review status: criteria provided, single submitter. Criteria: Ambry Variant Classification Scheme 2023. Collection method: clinical testing. Allele origin: germline.
Comment: The c.4048delG variant, located in coding exon 10 of the MSH6 gene, results from a deletion of one nucleotide at nucleotide position 4048, causing a translational frameshift with a predicted alternate stop codon (p.V1350Sfs*5). This alteration occurs at the 3' terminus of MSH6 gene, is not expected to trigger nonsense-mediated mRNAdecay, and only impacts the last 11 amino acids of the protein. The exact functional effect of this alteration is unknown. Since supporting evidence is limited at this time, the clinical significance of this alteration remains unclear.